The following is an entry in ClinVar:

ClinVar aggregate classification (germline): Pathogenic. Review status: criteria provided, multiple submitters, no conflicts (2 of 4 stars). 3 submissions from 3 submitters: Pathogenic (3). Last evaluated 2022-09-27.

Conditions:
Familial X-linked hypophosphatemic vitamin D refractory rickets (XLHRD). Also called: X-Linked Hypophosphatemia; Hypophosphatemia, vitamin D-resistant rickets; Vitamin D-resistant rickets, X-linked; Hypophosphatemic Rickets, X-Linked Dominant; HYPOPHOSPHATEMIC VITAMIN D-RESISTANT RICKETS. Identifiers: Orphanet 89936, MedGen C0733682, MONDO:0010619, OMIM 307800.
Hypophosphatemic rickets. Identifiers: MedGen C1704375, MeSH D063730, MONDO:0024300, HP:0004912.

Submissions (3):

Labcorp Genetics (formerly Invitae), Labcorp
Classification: Pathogenic. Last evaluated: 2022-09-27. Review status: criteria provided, single submitter. Criteria: Invitae Variant Classification Sherloc (09022015). Collection method: clinical testing. Allele origin: germline.
Comment: For these reasons, this variant has been classified as Pathogenic. Algorithms developed to predict the effect of sequence changes on RNA splicing suggest that this variant may disrupt the consensus splice site. ClinVar contains an entry for this variant (Variation ID: 1339456). Disruption of this splice site has been observed in individuals with hypophosphatemic rickets (PMID: 10737991, 12414858, 22695891; Invitae). This variant is not present in population databases (gnomAD no frequency). This sequence change affects an acceptor splice site in intron 20 of the PHEX gene. It is expected to disrupt RNA splicing. Variants that disrupt the donor or acceptor splice site typically lead to a loss of protein function (PMID: 16199547), and loss-of-function variants in PHEX are known to be pathogenic (PMID: 9097956, 9106524, 19219621).

Mendelics
Classification: Pathogenic for Familial X-linked hypophosphatemic vitamin D refractory rickets. Last evaluated: 2022-05-04. Review status: criteria provided, single submitter. Criteria: Mendelics Assertion Criteria 2019. Collection method: clinical testing. Allele origin: germline.

Laboratory of Cyto-molecular Genetics, Department of Anatomy, All India Institute of Medical Sciences (AIIMS), New Delhi
Classification: Pathogenic for Hypophosphatemic rickets. Last evaluated: 2022-02-07. Review status: criteria provided, single submitter. Criteria: ACMG Guidelines, 2015. Collection method: clinical testing. Allele origin: de novo. Affected: yes. Observed: 1 variant allele.
Comment: NC_000023.10(PHEX_v001):c.2071-1G>C; splice site variant at intron 20-exon 21 junction

Literature cited by the submitters: PubMed 10737991 (cited by Labcorp Genetics (formerly Invitae), Labcorp); PubMed 12414858 (cited by Labcorp Genetics (formerly Invitae), Labcorp); PubMed 22695891 (cited by Labcorp Genetics (formerly Invitae), Labcorp); PubMed 16199547 (cited by Labcorp Genetics (formerly Invitae), Labcorp); PubMed 9097956 (cited by Labcorp Genetics (formerly Invitae), Labcorp); PubMed 9106524 (cited by Labcorp Genetics (formerly Invitae), Labcorp); PubMed 19219621 (cited by Labcorp Genetics (formerly Invitae), Labcorp); PubMed 35738466 (cited by Laboratory of Cyto-molecular Genetics, Department of Anatomy, All India Institute of Medical Sciences (AIIMS), New Delhi).

NM_000444.6(PHEX):c.2071-1G>C

Genes: PHEX (phosphate regulating endopeptidase X-linked; plus strand), PTCHD1-AS (PTCHD1 and PHEX antisense RNA; minus strand). Cytogenetic location: Xp22.11.
Variant type: single nucleotide variant.
Coding change: c.2071-1G>C on transcript NM_000444.6 (MANE Select); the canonical splice acceptor site of the intron before coding-DNA position 2071, G replaced by C.
Molecular consequence: splice acceptor variant. On other transcripts: intron variant (1).
Genome position (GRCh38, 1-based): chrX:22,245,332, G>C. VCF-style: chrX-22245332-G-C. GRCh37 (hg19) VCF-style: chrX-22263449-G-C.
Other names: c.2071-2519G>C (NM_001282754.2).
Identifiers: ClinVar variation 1339456 (VCV001339456.10), dbSNP rs886041374, ClinGen allele CA412575160.
Genomic context (GRCh38, chrX:22,245,332, plus strand): 5'-AACAGCAGAAAATACATAATTGGAATGAAAGCTCATTTGTTGGGATGCTTTTCTCTTCTA[G>C]GTGAGGTGCAATTCCTACAGACCAGAAGCTGCCCGAGAACAAGTCCAAATTGGTGCTCAC-3'